The following is an entry in ClinVar:

ClinVar aggregate classification (germline): Uncertain significance. Review status: criteria provided, multiple submitters, no conflicts (2 of 4 stars). 2 submissions from 2 submitters: Uncertain significance (2). Last evaluated 2025-07-15.

Conditions:
CALCR-related disorder. Also called: CALCR-related condition.

gnomAD v4.1: 50 of 1,612,190 alleles (0.0031%); highest among the groups gnomAD compares: Middle Eastern, 0.049%; no homozygotes.

Submissions (2):

PreventionGenetics, part of Exact Sciences
Classification: Uncertain significance for CALCR-related condition. Last evaluated: 2025-07-15. Review status: criteria provided, single submitter. Criteria: ACMG Guidelines, 2015. Collection method: clinical testing. Allele origin: germline.
Comment: The CALCR c.133C>T variant is predicted to result in premature protein termination (p.Arg45*). To our knowledge, this variant has not been reported in the literature. This variant is reported in 0.019% of alleles in individuals of African descent in gnomAD. Although we suspect that this variant may be benign, at this time, the clinical significance of this variant is uncertain due to the absence of conclusive functional and genetic evidence.

Blueprint Genetics
Classification: Uncertain significance. Last evaluated: 2024-08-06. Review status: criteria provided, single submitter. Criteria: ACMG Guidelines, 2015. Collection method: clinical testing. Allele origin: germline.

NM_001742.4(CALCR):c.133C>T (p.Arg45Ter)

Gene: CALCR (calcitonin receptor; minus strand). Cytogenetic location: 7q21.3.
Variant type: single nucleotide variant.
Coding change: c.133C>T on transcript NM_001742.4 (MANE Select); coding-DNA position 133, C replaced by T.
Protein change: p.Arg45Ter; replaces arginine 45 with a stop codon.
Molecular consequence: nonsense.
Genome position (GRCh38, 1-based): chr7:93,479,426, G>A on the plus strand (C>T on the coding strand, the complement: CALCR is on the minus strand). VCF-style: chr7-93479426-G-A. GRCh37 (hg19) VCF-style: chr7-93108738-G-A.
Other names: c.133C>T (NM_001742.3); c.133C>T, p.Arg45Ter (NM_001164737.3, NM_001164738.2); short protein forms R45*.
Identifiers: ClinVar variation 4896792 (VCV004896792.2).